The following is an entry in ClinVar:

NM_004370.6(COL12A1):c.8611A>C (p.Ser2871Arg)

Gene: COL12A1 (collagen type XII alpha 1 chain; minus strand). Cytogenetic location: 6q13.
Variant type: single nucleotide variant.
Coding change: c.8611A>C on transcript NM_004370.6 (MANE Select); coding-DNA position 8611, A replaced by C.
Protein change: p.Ser2871Arg; replaces serine 2871 with arginine.
Molecular consequence: missense variant.
Genome position (GRCh38, 1-based): chr6:75,095,146, T>G on the plus strand (A>C on the coding strand, the complement: COL12A1 is on the minus strand). VCF-style: chr6-75095146-T-G. GRCh37 (hg19) VCF-style: chr6-75804862-T-G.
Other names: c.5119A>C, p.Ser1707Arg (NM_080645.3); short protein forms S1707R, S2871R.
Identifiers: ClinVar variation 1969239 (VCV001969239.6), dbSNP rs1767943929, ClinGen allele CA364737041.
Genomic context (GRCh38, chr6:75,095,146, plus strand): 5'-GACATGCAAGCTGTCCGCTTACTGGTCTGCCATGATCTCCAGGTTTTCCTGGCTTCCCAC[T>G]TGGTCCTGTGACTCCTGGGGAGCCTGGGCTTCCCTACAACACATGGAAAGGGAAGGGGAC-3'
Protein context (NP_004361.3, residues 2861-2881): SPGSPGVTGP[Ser2871Arg]GKPGKPGDHG

ClinVar aggregate classification (germline): Uncertain significance. Review status: criteria provided, multiple submitters, no conflicts (2 of 4 stars). 2 submissions from 2 submitters: Uncertain significance (2). Last evaluated 2025-10-29.

Conditions:
Ullrich congenital muscular dystrophy 2 (UCMD2). Identifiers: Orphanet 75840, MedGen C4225314, MONDO:0014654, OMIM 616470.
Bethlem myopathy 2 (BTHLM2). Identifiers: Orphanet 536516, Orphanet 610, MedGen C4225313, MONDO:0034022, OMIM 616471.

Allele frequency attached by ClinVar (database versions not stated): gnomAD exomes below 0.00001; TOPMed below 0.00001; gnomAD 0.00001.
gnomAD v4.1: 3 of 1,614,010 alleles (0.00019%); highest among the groups gnomAD compares: Non-Finnish European, 0.00025%; no homozygotes.

Submissions (2):

Women's Health and Genetics/Laboratory Corporation of America, LabCorp
Classification: Uncertain significance. Last evaluated: 2025-10-29. Review status: criteria provided, single submitter. Criteria: LabCorp Variant Classification Summary - May 2015. Collection method: clinical testing. Allele origin: germline.
Comment: Variant summary: COL12A1 c.8611A>C (p.Ser2871Arg) results in a non-conservative amino acid change in the encoded protein sequence. Algorithms developed to predict the effect of missense changes on protein structure and function are either unavailable or do not agree on the potential impact of this missense change. The variant was absent in 249414 control chromosomes. The available data on variant occurrences in the general population are insufficient to allow any conclusion about variant significance. To our knowledge, no occurrence of c.8611A>C in individuals affected with COL12A1-related conditions and no experimental evidence demonstrating its impact on protein function have been reported. ClinVar contains an entry for this variant (Variation ID: 1969239). Based on the evidence outlined above, the variant was classified as uncertain significance.

Labcorp Genetics (formerly Invitae), Labcorp
Classification: Uncertain significance for Bethlem myopathy 2; Ullrich congenital muscular dystrophy 2. Last evaluated: 2023-06-21. Review status: criteria provided, single submitter. Criteria: Invitae Variant Classification Sherloc (09022015). Collection method: clinical testing. Allele origin: germline.
Comment: This sequence change replaces serine, which is neutral and polar, with arginine, which is basic and polar, at codon 2871 of the COL12A1 protein (p.Ser2871Arg). This variant is not present in population databases (gnomAD no frequency). This variant has not been reported in the literature in individuals affected with COL12A1-related conditions. ClinVar contains an entry for this variant (Variation ID: 1969239). An algorithm developed to predict the effect of missense changes on protein structure and function (PolyPhen-2) suggests that this variant is likely to be disruptive. In summary, the available evidence is currently insufficient to determine the role of this variant in disease. Therefore, it has been classified as a Variant of Uncertain Significance.